The following is an entry in ClinVar:

ClinVar aggregate classification (germline): Likely benign (1 of 4 stars; one submission).

gnomAD v4.1: 4 of 1,613,826 alleles (0.00025%); highest among the groups gnomAD compares: Non-Finnish European, 0.00034%; no homozygotes.

Submission:

Mayo Clinic Laboratories, Mayo Clinic
Classification: Likely benign. Last evaluated: 2025-09-19. Review status: criteria provided, single submitter. Criteria: ACMG Guidelines, 2015. Collection method: clinical testing. Allele origin: germline. Observed: 1 variant allele.
Comment: BP4, BP7

NM_020821.3(VPS13C):c.6038+9G>C

Gene: VPS13C (vacuolar protein sorting 13 homolog C; minus strand). Cytogenetic location: 15q22.2.
Variant type: single nucleotide variant.
Coding change: c.6038+9G>C on transcript NM_020821.3 (MANE Select); 9 bases into the intron after coding-DNA position 6038, G replaced by C.
Molecular consequence: intron variant.
Genome position (GRCh38, 1-based): chr15:61,931,081, C>G on the plus strand (G>C on the coding strand, the complement: VPS13C is on the minus strand). VCF-style: chr15-61931081-C-G. GRCh37 (hg19) VCF-style: chr15-62223280-C-G.
Other names: p.?; c.5909+9G>C (NM_017684.5, NM_018080.4); c.6038+9G>C (NM_001018088.3).
Identifiers: ClinVar variation 4683995 (VCV004683995.1).